The following is an entry in ClinVar:

NM_018967.5(SNTG1):c.361G>C (p.Val121Leu)

Gene: SNTG1 (syntrophin gamma 1; plus strand). Cytogenetic location: 8q11.21.
Variant type: single nucleotide variant.
Coding change: c.361G>C on transcript NM_018967.5 (MANE Select); coding-DNA position 361, G replaced by C.
Protein change: p.Val121Leu; replaces valine 121 with leucine.
Molecular consequence: missense variant. On other transcripts: non-coding transcript variant (5).
Genome position (GRCh38, 1-based): chr8:50,450,727, G>C. VCF-style: chr8-50450727-G-C. GRCh37 (hg19) VCF-style: chr8-51363287-G-C.
Other names: c.361G>C, p.Val121Leu (NM_001287813.3, NM_001287814.3, NM_001321773.2 and 4 more transcripts); short protein forms V121L.
Identifiers: ClinVar variation 3055929 (VCV003055929.2), dbSNP rs138262840, ClinGen allele CA4743954.
Genomic context (GRCh38, chr8:50,450,727, plus strand): 5'-ATGCTTTTCTTTTCATTGCAGATAAATGGCATTAATGTGAGAAAATGTAGACATGAAGAA[G>C]TGGTGAGTTTACTTTTTCCTAATGTCATAGTTTTCCCCATGTGCAAATAAGAATTTAGTG-3'
Protein context (NP_061840.1, residues 111-131): INVRKCRHEE[Val121Leu]VQVLRNAGEE

ClinVar aggregate classification (germline): Likely benign (0 of 4 stars; one submission).

Conditions:
SNTG1-related disorder. Also called: SNTG1-related condition.

Allele frequency attached by ClinVar (database versions not stated): ExAC 0.00133; 1000 Genomes Project 0.00140; 1000 Genomes Project 30x 0.00156; gnomAD 0.00170; TOPMed 0.00176; ESP Exome Variant Server 0.00185; gnomAD exomes 0.00185.
gnomAD v4.1: 2,980 of 1,612,744 alleles (0.18%); highest among the groups gnomAD compares: Middle Eastern, 0.51%; 1 homozygote.

Submission:

PreventionGenetics, part of Exact Sciences
Classification: Likely benign for SNTG1-related condition. Last evaluated: 2022-02-27. Review status: no assertion criteria provided. Collection method: clinical testing. Allele origin: germline.
Comment: This variant is classified as likely benign based on ACMG/AMP sequence variant interpretation guidelines (Richards et al. 2015 PMID: 25741868, with internal and published modifications).